The following is an entry in ClinVar:

ClinVar aggregate classification (germline): Uncertain significance (1 of 4 stars; one submission).

Conditions:
Dystonic disorder. Also called: Dystonia. Identifiers: MedGen C0013421, MONDO:0003441, HP:0001332.

Allele frequency attached by ClinVar (database versions not stated): gnomAD exomes below 0.00001 and 0.00001; TOPMed 0.00001.
gnomAD v4.1: 8 of 1,613,812 alleles (0.0005%); highest among the groups gnomAD compares: Non-Finnish European, 0.00068%; no homozygotes.

Submission:

Labcorp Genetics (formerly Invitae), Labcorp
Classification: Uncertain significance for Dystonic disorder. Last evaluated: 2019-04-26. Review status: criteria provided, single submitter. Criteria: Invitae Variant Classification Sherloc (09022015). Collection method: clinical testing. Allele origin: germline.
Comment: In summary, the available evidence is currently insufficient to determine the role of this variant in disease. Therefore, it has been classified as a Variant of Uncertain Significance. Algorithms developed to predict the effect of missense changes on protein structure and function are either unavailable or do not agree on the potential impact of this missense change (SIFT: "Deleterious"; PolyPhen-2: "Benign"; Align-GVGD: "Class C0"). This variant has not been reported in the literature in individuals with SPR-related conditions. This variant is not present in population databases (ExAC no frequency). This sequence change replaces leucine with arginine at codon 161 of the SPR protein (p.Leu161Arg). The leucine residue is highly conserved and there is a moderate physicochemical difference between leucine and arginine.

NM_003124.5(SPR):c.482T>G (p.Leu161Arg)

Gene: SPR (sepiapterin reductase; plus strand). Cytogenetic location: 2p13.2.
Variant type: single nucleotide variant.
Coding change: c.482T>G on transcript NM_003124.5 (MANE Select); coding-DNA position 482, T replaced by G.
Protein change: p.Leu161Arg; replaces leucine 161 with arginine.
Molecular consequence: missense variant.
Genome position (GRCh38, 1-based): chr2:72,888,491, T>G. VCF-style: chr2-72888491-T-G. GRCh37 (hg19) VCF-style: chr2-73115620-T-G.
Other names: short protein forms L161R.
Identifiers: ClinVar variation 947077 (VCV000947077.9), dbSNP rs1398518374, ClinGen allele CA347231845.
Genomic context (GRCh38, chr2:72,888,491, plus strand): 5'-CCTTCCCGGACAGTCCTGGCCTCAACAGAACCGTGGTTAACATCTCGTCCCTCTGTGCCC[T>G]GCAACCTTTCAAAGGCTGGGCGCTGTACTGTGCAGGAAAGGCTGCTCGTGATATGCTGTT-3'
Protein context (NP_003115.1, residues 151-171): TVVNISSLCA[Leu161Arg]QPFKGWALYC